The following is an entry in ClinVar:

ClinVar aggregate classification (germline): Uncertain significance (1 of 4 stars; one submission).

Conditions:
Cardiomyopathy (CMYO). Also called: Cardiomyopathies. Identifiers: Orphanet 167848, MedGen C0878544, MONDO:0004994, HP:0001638. Inheritance: Various modes of inheritance.

Submission:

Color Diagnostics, LLC DBA Color Health
Classification: Uncertain significance for Cardiomyopathy. Last evaluated: 2025-08-08. Review status: criteria provided, single submitter. Criteria: ACMG Guidelines, 2015. Collection method: clinical testing. Allele origin: germline.
Comment: This variant deletes 1 nucleotide in exon 27 of the MYH7 gene, creating a frameshift and premature translation stop signal. This variant is expected to result in an absent protein product. To our knowledge, this variant has not been reported in individuals affected with MYH7-related disorders in the literature. This variant has not been identified in the general population by the Genome Aggregation Database (gnomAD). The role of loss-of-function MYH7 truncation variants in autosomal dominant cardiovascular disorders is not clearly understood. The available evidence is insufficient to determine the role of this variant in disease conclusively. Therefore, this variant is classified as a Variant of Uncertain Significance.

NM_000257.4(MYH7):c.3356del (p.Glu1119fs)

Gene: MYH7 (myosin heavy chain 7; minus strand). Cytogenetic location: 14q11.2.
Variant type: Deletion.
Coding change: c.3356del on transcript NM_000257.4 (MANE Select); coding-DNA position 3356, one base deleted (A; older notation c.3356delA).
Protein change: p.Glu1119fs; shifts the reading frame from glutamic acid 1119.
Molecular consequence: frameshift variant.
Genome position (GRCh38, 1-based): chr14:23,420,215, T deleted on the plus strand (A on the coding strand, the reverse complement: MYH7 is on the minus strand). VCF-style (leftmost placement, unchanged base first): chr14-23420214-CT-C. GRCh37 (hg19) VCF-style: chr14-23889423-CT-C.
Other names: c.3356del, p.Glu1119fs (NM_001407004.1); short protein forms E1119fs.
Identifiers: ClinVar variation 4759133 (VCV004759133.1).